The following is an entry in ClinVar:

NM_005502.4(ABCA1):c.1468G>A (p.Glu490Lys)

Gene: ABCA1 (ATP binding cassette subfamily A member 1; minus strand). Cytogenetic location: 9q31.1.
Variant type: single nucleotide variant.
Coding change: c.1468G>A on transcript NM_005502.4 (MANE Select); coding-DNA position 1468, G replaced by A.
Protein change: p.Glu490Lys; replaces glutamic acid 490 with lysine.
Molecular consequence: missense variant.
Genome position (GRCh38, 1-based): chr9:104,832,615, C>T on the plus strand (G>A on the coding strand, the complement: ABCA1 is on the minus strand). VCF-style: chr9-104832615-C-T. GRCh37 (hg19) VCF-style: chr9-107594896-C-T.
Other names: short protein forms E490K.
Identifiers: ClinVar variation 1773300 (VCV001773300.2), dbSNP rs769977280, ClinGen allele CA5169009.

ClinVar aggregate classification (germline): Uncertain significance (1 of 4 stars; one submission).

Conditions:
Cardiovascular phenotype. Identifiers: MedGen CN230736.

Allele frequency attached by ClinVar (database versions not stated): ExAC 0.00001; gnomAD 0.00001.
gnomAD v4.1: 23 of 1,614,058 alleles (0.0014%); highest among the groups gnomAD compares: East Asian, 0.0022%; no homozygotes.

Submission:

Ambry Genetics
Classification: Uncertain significance for Cardiovascular phenotype. Last evaluated: 2021-07-15. Review status: criteria provided, single submitter. Criteria: Ambry Variant Classification Scheme 2023. Collection method: clinical testing. Allele origin: germline.
Comment: The p.E490K variant (also known as c.1468G>A), located in coding exon 11 of the ABCA1 gene, results from a G to A substitution at nucleotide position 1468. The glutamic acid at codon 490 is replaced by lysine, an amino acid with similar properties. This amino acid position is conserved. In addition, this alteration is predicted to be deleterious by in silico analysis. Since supporting evidence is limited at this time, the clinical significance of this alteration remains unclear.